The following is an entry in ClinVar:

ClinVar aggregate classification (germline): Uncertain significance (1 of 4 stars; one submission).

Allele frequency attached by ClinVar (database versions not stated): gnomAD exomes below 0.00001 and 0.00001; TOPMed 0.00001.
gnomAD v4.1: 14 of 1,611,862 alleles (0.00087%); highest among the groups gnomAD compares: South Asian, 0.0011%; no homozygotes.

Submission:

Labcorp Genetics (formerly Invitae), Labcorp
Classification: Uncertain significance. Last evaluated: 2025-10-01. Review status: criteria provided, single submitter. Criteria: Invitae Variant Classification Sherloc (09022015). Collection method: clinical testing. Allele origin: germline.
Comment: This sequence change replaces histidine, which is basic and polar, with tyrosine, which is neutral and polar, at codon 390 of the ANXA11 protein (p.His390Tyr). The frequency data for this variant in the population databases is considered unreliable, as metrics indicate poor data quality at this position in the gnomAD database. This variant has not been reported in the literature in individuals affected with ANXA11-related conditions. ClinVar contains an entry for this variant (Variation ID: 1375804). An algorithm developed to predict the effect of missense changes on protein structure and function (PolyPhen-2) suggests that this variant is likely to be disruptive. In summary, the available evidence is currently insufficient to determine the role of this variant in disease. Therefore, it has been classified as a Variant of Uncertain Significance.

NM_145868.2(ANXA11):c.1168C>T (p.His390Tyr)

Gene: ANXA11 (annexin A11; minus strand). Cytogenetic location: 10q22.3.
Variant type: single nucleotide variant.
Coding change: c.1168C>T on transcript NM_145868.2 (MANE Select); coding-DNA position 1168, C replaced by T.
Protein change: p.His390Tyr; replaces histidine 390 with tyrosine.
Molecular consequence: missense variant.
Genome position (GRCh38, 1-based): chr10:80,161,947, G>A on the plus strand (C>T on the coding strand, the complement: ANXA11 is on the minus strand). VCF-style: chr10-80161947-G-A. GRCh37 (hg19) VCF-style: chr10-81921703-G-A.
Other names: c.1168C>T, p.His390Tyr (NM_001157.3, NM_001278407.2, NM_001278408.2 and 1 more transcripts); c.1069C>T, p.His357Tyr (NM_001278409.2); short protein forms H357Y, H390Y.
Identifiers: ClinVar variation 1375804 (VCV001375804.6), dbSNP rs894185702, ClinGen allele CA210320090.
Genomic context (GRCh38, chr10:80,161,947, plus strand): 5'-TGACTGCCCTCATCTAACTGGCCTCTGAGGGACCCCAGCCTGCCTTACCTGCTACCAGGT[G>A]GGCCCGGCTCCGGGAGCACAGAACCGCATTGAACTTGGACTCGTCTGTTCCCAGGCGGTT-3'
Protein context (NP_665875.1, residues 380-400): NAVLCSRSRA[His390Tyr]LVAVFNEYQR